The following is an entry in ClinVar:

NM_198578.4(LRRK2):c.1473G>T (p.Met491Ile)

Gene: LRRK2 (leucine rich repeat kinase 2; plus strand). Cytogenetic location: 12q12.
Variant type: single nucleotide variant.
Coding change: c.1473G>T on transcript NM_198578.4 (MANE Select); coding-DNA position 1473, G replaced by T.
Protein change: p.Met491Ile; replaces methionine 491 with isoleucine.
Molecular consequence: missense variant.
Genome position (GRCh38, 1-based): chr12:40,259,534, G>T. VCF-style: chr12-40259534-G-T. GRCh37 (hg19) VCF-style: chr12-40653336-G-T.
Other names: short protein forms M491I.
Identifiers: ClinVar variation 883552 (VCV000883552.7), dbSNP rs200955457, ClinGen allele CA6513377.

ClinVar aggregate classification (germline): Uncertain significance. Review status: criteria provided, multiple submitters, no conflicts (2 of 4 stars). 2 submissions from 2 submitters: Uncertain significance (2). Last evaluated 2025-12-22.

Conditions:
Autosomal dominant Parkinson disease 8. Also called: Parkinson disease 8, susceptibility to; LRRK2-Related Parkinson Disease; Parkinson disease 8. Identifiers: Orphanet 411602, MedGen C1846862, MONDO:0011764, OMIM 607060.

Allele frequency attached by ClinVar (database versions not stated): ExAC 0.00002; gnomAD exomes 0.00004 and 0.00021; TOPMed 0.00006; gnomAD 0.00004 and 0.00005; ESP Exome Variant Server 0.00008.
gnomAD v4.1: 306 of 1,613,256 alleles (0.019%); highest among the groups gnomAD compares: Non-Finnish European, 0.025%; no homozygotes.

Submissions (2):

Labcorp Genetics (formerly Invitae), Labcorp
Classification: Uncertain significance for Autosomal dominant Parkinson disease 8. Last evaluated: 2025-12-22. Review status: criteria provided, single submitter. Criteria: Invitae Variant Classification Sherloc (09022015). Collection method: clinical testing. Allele origin: germline.
Comment: This sequence change replaces methionine, which is neutral and non-polar, with isoleucine, which is neutral and non-polar, at codon 491 of the LRRK2 protein (p.Met491Ile). This variant is present in population databases (rs200955457, gnomAD 0.009%). This variant has not been reported in the literature in individuals affected with LRRK2-related conditions. ClinVar contains an entry for this variant (Variation ID: 883552). Invitae Evidence Modeling of protein sequence and biophysical properties (such as structural, functional, and spatial information, amino acid conservation, physicochemical variation, residue mobility, and thermodynamic stability) has been performed for this missense variant. However, the output from this modeling did not meet the statistical confidence thresholds required to predict the impact of this variant on LRRK2 protein function. In summary, the available evidence is currently insufficient to determine the role of this variant in disease. Therefore, it has been classified as a Variant of Uncertain Significance.

Illumina Laboratory Services, Illumina
Classification: Uncertain significance for Autosomal dominant Parkinson disease 8. Last evaluated: 2018-01-12. Review status: criteria provided, single submitter. Criteria: ICSL Variant Classification Criteria 13 December 2019. Collection method: clinical testing. Allele origin: germline.